The following is an entry in ClinVar:

ClinVar aggregate classification (germline): Uncertain significance (1 of 4 stars; one submission).

Conditions:
Hypertrophic cardiomyopathy. Also called: HYPERTROPHIC MYOCARDIOPATHY. Identifiers: Orphanet 217569, MedGen C0007194, MeSH D002312, MONDO:0005045, HP:0001639.

Allele frequency attached by ClinVar (database versions not stated): gnomAD exomes 0.00001; TOPMed 0.00001.
gnomAD v4.1: 8 of 1,613,826 alleles (0.0005%); highest among the groups gnomAD compares: South Asian, 0.0022%; no homozygotes.

Submission:

Labcorp Genetics (formerly Invitae), Labcorp
Classification: Uncertain significance for Hypertrophic cardiomyopathy. Last evaluated: 2022-12-25. Review status: criteria provided, single submitter. Criteria: Invitae Variant Classification Sherloc (09022015). Collection method: clinical testing. Allele origin: germline.
Comment: This sequence change replaces proline, which is neutral and non-polar, with leucine, which is neutral and non-polar, at codon 1602 of the MYOM1 protein (p.Pro1602Leu). This variant is present in population databases (no rsID available, gnomAD 0.007%). This variant has not been reported in the literature in individuals affected with MYOM1-related conditions. Advanced modeling of protein sequence and biophysical properties (such as structural, functional, and spatial information, amino acid conservation, physicochemical variation, residue mobility, and thermodynamic stability) has been performed at Invitae for this missense variant, however the output from this modeling did not meet the statistical confidence thresholds required to predict the impact of this variant on MYOM1 protein function. In summary, the available evidence is currently insufficient to determine the role of this variant in disease. Therefore, it has been classified as a Variant of Uncertain Significance.

NM_003803.4(MYOM1):c.4805C>T (p.Pro1602Leu)

Gene: MYOM1 (myomesin 1; minus strand). Cytogenetic location: 18p11.31.
Variant type: single nucleotide variant.
Coding change: c.4805C>T on transcript NM_003803.4 (MANE Select); coding-DNA position 4805, C replaced by T.
Protein change: p.Pro1602Leu; replaces proline 1602 with leucine.
Molecular consequence: missense variant.
Genome position (GRCh38, 1-based): chr18:3,067,515, G>A on the plus strand (C>T on the coding strand, the complement: MYOM1 is on the minus strand). VCF-style: chr18-3067515-G-A. GRCh37 (hg19) VCF-style: chr18-3067513-G-A.
Other names: c.4517C>T, p.Pro1506Leu (NM_019856.2); short protein forms P1602L, P1506L.
Identifiers: ClinVar variation 2795339 (VCV002795339.3), dbSNP rs899392170, ClinGen allele CA295530431.
Genomic context (GRCh38, chr18:3,067,515, plus strand): 5'-TTGAGGTTGCAGTGGTCGTCTGAGGCCAGGGCCTTCTCGTTCTTCAACCACGACACCTCC[G>A]GAGGCGGGTCTCCCCACACGTTGCAAGTGAGATTAAGGGCCTGCAAGACAGGTTTTATGG-3'
Protein context (NP_003794.3, residues 1592-1612): LTCNVWGDPP[Pro1602Leu]EVSWLKNEKA